The following is an entry in ClinVar:

NM_001365951.3(KIF1B):c.2513A>C (p.His838Pro)

Gene: KIF1B (kinesin family member 1B; plus strand). Cytogenetic location: 1p36.22.
Variant type: single nucleotide variant.
Coding change: c.2513A>C on transcript NM_001365951.3 (MANE Select); coding-DNA position 2513, A replaced by C.
Protein change: p.His838Pro; replaces histidine 838 with proline.
Molecular consequence: missense variant.
Genome position (GRCh38, 1-based): chr1:10,324,038, A>C. VCF-style: chr1-10324038-A-C. GRCh37 (hg19) VCF-style: chr1-10384096-A-C.
Other names: c.2513A>C, p.His838Pro (NM_001365952.1); c.2375A>C, p.His792Pro (NM_015074.3); short protein forms H792P, H838P.
Identifiers: ClinVar variation 3226396 (VCV003226396.1), dbSNP rs2521623338, ClinGen allele CA338335087.

ClinVar aggregate classification (germline): Uncertain significance (1 of 4 stars; one submission).

Submission:

Ambry Genetics
Classification: Uncertain significance. Last evaluated: 2023-11-15. Review status: criteria provided, single submitter. Criteria: Ambry Variant Classification Scheme 2023. Collection method: clinical testing. Allele origin: germline.
Comment: The p.H792P variant (also known as c.2375A>C), located in coding exon 22 of the KIF1B gene, results from an A to C substitution at nucleotide position 2375. The histidine at codon 792 is replaced by proline, an amino acid with similar properties. This amino acid position is conserved. In addition, this alteration is predicted to be deleterious by in silico analysis. Since supporting evidence is limited at this time, the clinical significance of this alteration remains unclear.